The following is an entry in ClinVar:

ClinVar aggregate classification (germline): Uncertain significance (1 of 4 stars; one submission).

Submission:

GeneDx
Classification: Uncertain significance. Last evaluated: 2024-04-06. Review status: criteria provided, single submitter. Criteria: GeneDx Variant Classification Process June 2021. Collection method: clinical testing. Allele origin: germline. Affected: yes.
Comment: In silico analysis indicates that this missense variant does not alter protein structure/function; Has not been previously published as pathogenic or benign to our knowledge

NM_145054.5(CFAP52):c.1141G>A (p.Asp381Asn)

Gene: CFAP52 (cilia and flagella associated protein 52; plus strand). Cytogenetic location: 17p13.1.
Variant type: single nucleotide variant.
Coding change: c.1141G>A on transcript NM_145054.5 (MANE Select); coding-DNA position 1141, G replaced by A.
Protein change: p.Asp381Asn; replaces aspartic acid 381 with asparagine.
Molecular consequence: missense variant.
Genome position (GRCh38, 1-based): chr17:9,628,787, G>A. VCF-style: chr17-9628787-G-A. GRCh37 (hg19) VCF-style: chr17-9532104-G-A.
Other names: c.937G>A, p.Asp313Asn (NM_001080556.2); short protein forms D313N, D381N.
Identifiers: ClinVar variation 3372239 (VCV003372239.1).